The following is an entry in ClinVar:

ClinVar aggregate classification (germline): Uncertain significance. Review status: criteria provided, multiple submitters, no conflicts (2 of 4 stars). 3 submissions from 3 submitters: Uncertain significance (3). Last evaluated 2025-01-28.

Conditions:
Inborn genetic diseases. Identifiers: MedGen C0950123, MeSH D030342.

Allele frequency attached by ClinVar (database versions not stated): gnomAD exomes 0.00003 and 0.00008; ExAC 0.00012; gnomAD 0.00032 and 0.00036; TOPMed 0.00036; 1000 Genomes Project 0.00040; 1000 Genomes Project 30x 0.00047.
gnomAD v4.1: 88 of 1,596,750 alleles (0.0055%); highest among the groups gnomAD compares: African/African-American, 0.11%; no homozygotes.

Submissions (3):

Ambry Genetics
Classification: Uncertain significance for Inborn genetic diseases. Last evaluated: 2025-01-28. Review status: criteria provided, single submitter. Criteria: Ambry Variant Classification Scheme 2023. Collection method: clinical testing. Allele origin: germline.

Labcorp Genetics (formerly Invitae), Labcorp
Classification: Uncertain significance. Last evaluated: 2022-04-29. Review status: criteria provided, single submitter. Criteria: Invitae Variant Classification Sherloc (09022015). Collection method: clinical testing. Allele origin: germline.
Comment: This sequence change replaces proline, which is neutral and non-polar, with serine, which is neutral and polar, at codon 40 of the COL13A1 protein (p.Pro40Ser). This variant is present in population databases (rs561022104, gnomAD 0.1%). This variant has not been reported in the literature in individuals affected with COL13A1-related conditions. Algorithms developed to predict the effect of missense changes on protein structure and function are either unavailable or do not agree on the potential impact of this missense change (SIFT: "Deleterious"; PolyPhen-2: "Probably Damaging"; Align-GVGD: "Class C0"). In summary, the available evidence is currently insufficient to determine the role of this variant in disease. Therefore, it has been classified as a Variant of Uncertain Significance.

Breakthrough Genomics
Classification: Uncertain significance. Review status: criteria provided, single submitter. Criteria: ACMG Guidelines, 2015. Collection method: not provided. Allele origin: germline. Inheritance: Autosomal recessive inheritance. Affected: yes.

NM_001368882.1(COL13A1):c.118C>T (p.Pro40Ser)

Gene: COL13A1 (collagen type XIII alpha 1 chain; plus strand). Cytogenetic location: 10q22.1.
Variant type: single nucleotide variant.
Coding change: c.118C>T on transcript NM_001368882.1 (MANE Select); coding-DNA position 118, C replaced by T.
Protein change: p.Pro40Ser; replaces proline 40 with serine.
Molecular consequence: missense variant. On other transcripts: 5 prime UTR variant (1).
Genome position (GRCh38, 1-based): chr10:69,802,541, C>T. VCF-style: chr10-69802541-C-T. GRCh37 (hg19) VCF-style: chr10-71562297-C-T.
Other names: c.118C>T, p.Pro40Ser (NM_001130103.2, NM_001320951.2, NM_001368883.1 and 11 more transcripts); c.-536C>T (NM_001368886.1); c.118C>T (NM_001130103.1); short protein forms P40S.
Identifiers: ClinVar variation 1421228 (VCV001421228.8), dbSNP rs561022104, ClinGen allele CA5533979.